The following is an entry in ClinVar:

GRCh38/hg38 10q26.2-26.3(chr10:125976998-133427130)x1

Genes: ADAM12 (ADAM metallopeptidase domain 12; minus strand), ADAM8 (ADAM metallopeptidase domain 8; minus strand), ADGRA1 (adhesion G protein-coupled receptor A1; plus strand), ADGRA1-AS1 (ADGRA1 antisense RNA 1; minus strand), AS-PTPRE (lncRNA antisense to PTPRE protein-coding gene; minus strand) and 201 more. Cytogenetic location: 10q26.2-26.3.
Variant type: copy number loss.
Change: copy number 1 (one copy instead of two) of chr10:125,976,998-133,427,130 (7.45 Mb, GRCh38 coordinates, 1-based), cytogenetic band 10q26.2-26.3.
Identifiers: ClinVar variation 3061841 (VCV003061841.1).

ClinVar aggregate classification (germline): Pathogenic (1 of 4 stars; one submission).

Conditions:
Hypotonia, ataxia, and delayed development syndrome (HADDS). Also called: EBF3 Neurodevelopmental Disorder. Identifiers: Orphanet 658843, MedGen C4310618, MONDO:0015021, OMIM 617330.
Duane syndrome type 1 (DURS1). Also called: Duane Retraction Syndrome 1. Identifiers: Orphanet 233, MedGen C0994516, MONDO:0024265, OMIM 126800.

Submission:

Broad Center for Mendelian Genomics, Broad Institute of MIT and Harvard
Classification: Pathogenic for Duane syndrome type 1; Hypotonia, ataxia, and delayed development syndrome. Last evaluated: 2024-03-12. Review status: criteria provided, single submitter. Criteria: ACMG/ClinGen CNV Guidelines, 2019. Collection method: research. Allele origin: de novo. Inheritance: Autosomal dominant inheritance. Affected: yes.
Comment: A confirmed de novo heterozygous 10q deletion of 32 genes was identified by genome sequencing in two unrelated individuals with multisystem phenotypes including Duane retraction syndrome, scoliosis, autism, developmental delays, and hypotonia via a collaborative study between the Broad Institute's Center for Mendelian Genomics and the Engle lab ([GRCh 38] chr10:125976998_133427130x1). There is complete overlap with the EBF3 gene, which is suspected to be haploinsufficient but has not been assessed by the ClinGen Dosage Sensitivity Working Group. Though dosage sensitivity has not been established, DECIPHER has predicted the EBF3 gene to be haploinsufficient. At least six reported probands from the literature (PMID: 29162653, 35340043) have loss of function variants in EBF3. The variants reported are de novo and the reported phenotypes (hypotonia, ataxia, autism, intellectual disability, and delayed development) are nonspecific. In summary, this variant meets criteria to be classified as pathogenic for autosomal dominant chromosome 10q deletion syndrome. The ACMG/ClinGen evidence codes and points used in this curation are as follows: 1: 0 points, 2: 0.15 points, 3: 0.45 points, 4-5: 0.70 points Total: 1.30 points; Riggs 2020 (PMID: 31690835).

Literature cited by the submitters: PubMed 29162653; PubMed 35340043; PubMed 39033378.